The following is an entry in ClinVar:

NM_000179.3(MSH6):c.3856C>T (p.Leu1286Phe)

Gene: MSH6 (mutS homolog 6; plus strand). Cytogenetic location: 2p16.3.
Variant type: single nucleotide variant.
Coding change: c.3856C>T on transcript NM_000179.3 (MANE Select); coding-DNA position 3856, C replaced by T.
Protein change: p.Leu1286Phe; replaces leucine 1286 with phenylalanine.
Molecular consequence: missense variant.
Genome position (GRCh38, 1-based): chr2:47,806,506, C>T. VCF-style: chr2-47806506-C-T. GRCh37 (hg19) VCF-style: chr2-48033645-C-T.
Other names: c.3466C>T, p.Leu1156Phe (NM_001281492.2); c.2950C>T, p.Leu984Phe (NM_001281493.2, NM_001281494.2); short protein forms L1286F, L1156F, L984F.
Identifiers: ClinVar variation 410413 (VCV000410413.20), dbSNP rs1060502887, ClinGen allele CA16610985.

ClinVar aggregate classification (germline): Uncertain significance. Review status: criteria provided, multiple submitters, no conflicts (2 of 4 stars). 3 submissions from 3 submitters: Uncertain significance (3). Last evaluated 2025-10-13.

Conditions:
Hereditary cancer-predisposing syndrome. Also called: Tumor predisposition; Hereditary Cancer Syndrome; Hereditary neoplastic syndrome; Neoplastic Syndromes, Hereditary. Identifiers: Orphanet 140162, MedGen C0027672, MeSH D009386, MONDO:0015356.
Hereditary nonpolyposis colorectal neoplasms. Identifiers: MedGen C0009405, MeSH D003123.

gnomAD v4.1: 2 of 1,613,960 alleles (0.00012%); highest among the groups gnomAD compares: Admixed American, 0.0017%; no homozygotes.

Submissions (3):

Ambry Genetics
Classification: Uncertain significance for Hereditary cancer-predisposing syndrome. Last evaluated: 2025-10-13. Review status: criteria provided, single submitter. Criteria: Ambry Variant Classification Scheme 2023. Collection method: clinical testing. Allele origin: germline.
Comment: The p.L1286F variant (also known as c.3856C>T), located in coding exon 9 of the MSH6 gene, results from a C to T substitution at nucleotide position 3856. The leucine at codon 1286 is replaced by phenylalanine, an amino acid with highly similar properties. This amino acid position is highly conserved in available vertebrate species. In addition, this alteration is predicted to be deleterious by in silico analysis. Since supporting evidence is limited at this time, the clinical significance of this alteration remains unclear.

Labcorp Genetics (formerly Invitae), Labcorp
Classification: Uncertain significance for Hereditary nonpolyposis colorectal neoplasms. Last evaluated: 2024-06-17. Review status: criteria provided, single submitter. Criteria: Invitae Variant Classification Sherloc (09022015). Collection method: clinical testing. Allele origin: germline.
Comment: This sequence change replaces leucine, which is neutral and non-polar, with phenylalanine, which is neutral and non-polar, at codon 1286 of the MSH6 protein (p.Leu1286Phe). This variant is not present in population databases (gnomAD no frequency). This variant has not been reported in the literature in individuals affected with MSH6-related conditions. ClinVar contains an entry for this variant (Variation ID: 410413). Advanced modeling of protein sequence and biophysical properties (such as structural, functional, and spatial information, amino acid conservation, physicochemical variation, residue mobility, and thermodynamic stability) has been performed at Invitae for this missense variant, however the output from this modeling did not meet the statistical confidence thresholds required to predict the impact of this variant on MSH6 protein function. In summary, the available evidence is currently insufficient to determine the role of this variant in disease. Therefore, it has been classified as a Variant of Uncertain Significance.

Color Diagnostics, LLC DBA Color Health
Classification: Uncertain significance for Hereditary cancer-predisposing syndrome. Last evaluated: 2024-03-07. Review status: criteria provided, single submitter. Criteria: ACMG Guidelines, 2015. Collection method: clinical testing. Allele origin: germline.
Comment: This missense variant replaces leucine with phenylalanine at codon 1286 of the MSH6 protein. Computational prediction tool suggests that this variant may have deleterious impact on protein structure and function (internally defined REVEL score threshold >=0.7, PMID: 27666373). Splice site prediction tools suggest that this variant may not impact RNA splicing. To our knowledge, functional studies have not been performed for this variant. This variant has not been reported in individuals affected with hereditary cancer in the literature. This variant has not been identified in the general population by the Genome Aggregation Database (gnomAD). The available evidence is insufficient to determine the role of this variant in disease conclusively. Therefore, this variant is classified as a Variant of Uncertain Significance.